The following is an entry in ClinVar:

ClinVar aggregate classification (germline): Uncertain significance. Review status: criteria provided, multiple submitters, no conflicts (2 of 4 stars). 6 submissions from 6 submitters: Uncertain significance (4). 2 of the submissions do not count toward it. Last evaluated 2026-02-19.

Conditions:
Sinoatrial node dysfunction and deafness (SANDD). Identifiers: Orphanet 324321, MedGen C3554018, MONDO:0013960, OMIM 614896.

gnomAD v4.1: 229 of 1,613,764 alleles (0.014%); highest among the groups gnomAD compares: Non-Finnish European, 0.015%; 1 homozygote.

Submissions (6):

Women's Health and Genetics/Laboratory Corporation of America, LabCorp
Classification: Uncertain significance. Last evaluated: 2026-02-19. Review status: criteria provided, single submitter. Criteria: LabCorp Variant Classification Summary - May 2015. Collection method: clinical testing. Allele origin: germline.
Comment: Variant summary: CACNA1D c.5996G>C (p.Arg1999Pro) results in a non-conservative amino acid change located in the Voltage-gated calcium channel subunit alpha, C-terminal domain of the encoded protein sequence. Algorithms developed to predict the effect of missense changes on protein structure and function are either unavailable or do not agree on the potential impact of this missense change. The variant allele was found at a frequency of 0.00014 in 1613764 control chromosomes in the gnomAD database, including 1 homozygote, and predominantly detected within the Amish subpopulation at a frequency of 0.02851 (including the homozygote). This frequency exceeds the estimated maximal expected allele frequency for disease-causing variants in CACNA1D, suggesting that the variant might be benign. The variant, c.5996G>C, has been observed in individuals affected with cardiac arrhythmia related phenotypes (e.g. van Lint_2019, Christiansen_2016). These reports do not provide unequivocal conclusions about association of the variant with Sinoatrial Node Dysfunction And Deafness. To our knowledge, no experimental evidence demonstrating an impact on protein function has been reported. The following publications have been ascertained in the context of this evaluation (PMID: 27650965, 30847666). ClinVar contains an entry for this variant (Variation ID: 1284712). Based on the evidence outlined above, the variant was classified as VUS-possibly benign.

Labcorp Genetics (formerly Invitae), Labcorp
Classification: Uncertain significance. Last evaluated: 2025-12-23. Review status: criteria provided, single submitter. Criteria: Invitae Variant Classification Sherloc (09022015). Collection method: clinical testing. Allele origin: germline.
Comment: This sequence change replaces arginine, which is basic and polar, with proline, which is neutral and non-polar, at codon 1999 of the CACNA1D protein (p.Arg1999Pro). This variant is present in population databases (rs143354476, gnomAD 0.02%). This variant has not been reported in the literature in individuals affected with CACNA1D-related conditions. ClinVar contains an entry for this variant (Variation ID: 1284712). An algorithm developed to predict the effect of missense changes on protein structure and function (PolyPhen-2) suggests that this variant is likely to be disruptive. In summary, the available evidence is currently insufficient to determine the role of this variant in disease. Therefore, it has been classified as a Variant of Uncertain Significance.

Blueprint Genetics
Classification: Uncertain significance. Last evaluated: 2022-04-05. Review status: criteria provided, single submitter. Criteria: ACMG Guidelines, 2015. Collection method: clinical testing. Allele origin: germline.

Department of Pathology and Laboratory Medicine, Sinai Health System
Classification: Uncertain significance for sinoatrial node dysfunction and deafness. Last evaluated: 2020-08-28. Review status: criteria provided, single submitter. Criteria: ACMG Guidelines, 2015. Collection method: research. Allele origin: germline.

Clinical Genetics, Academic Medical Center
Classification: Uncertain significance. Review status: no assertion criteria provided. Collection method: clinical testing. Allele origin: germline. Affected: yes. Study: VKGL Data-share Consensus. Not counted in ClinVar's aggregate classification.

Diagnostic Laboratory, Department of Genetics, University Medical Center Groningen
Classification: Uncertain significance. Review status: no assertion criteria provided. Collection method: clinical testing. Allele origin: germline. Affected: yes. Study: VKGL Data-share Consensus. Not counted in ClinVar's aggregate classification.

Literature cited by the submitters: PubMed 27650965 (cited by Women's Health and Genetics/Laboratory Corporation of America, LabCorp); PubMed 30847666 (cited by Women's Health and Genetics/Laboratory Corporation of America, LabCorp).

NM_001128840.3(CACNA1D):c.5936G>C (p.Arg1979Pro)

Gene: CACNA1D (calcium voltage-gated channel subunit alpha1 D; plus strand). Cytogenetic location: 3p21.1.
Variant type: single nucleotide variant.
Coding change: c.5936G>C on transcript NM_001128840.3 (MANE Select); coding-DNA position 5936, G replaced by C.
Protein change: p.Arg1979Pro; replaces arginine 1979 with proline.
Molecular consequence: missense variant.
Genome position (GRCh38, 1-based): chr3:53,810,042, G>C. VCF-style: chr3-53810042-G-C. GRCh37 (hg19) VCF-style: chr3-53844069-G-C.
Other names: c.5996G>C, p.Arg1999Pro (NM_000720.4); c.5864G>C, p.Arg1955Pro (NM_001128839.3); short protein forms R1955P, R1979P, R1999P.
Identifiers: ClinVar variation 1284712 (VCV001284712.13), dbSNP rs143354476, ClinGen allele CA2455327.